The following is an entry in ClinVar:

ClinVar aggregate classification (germline): Conflicting classifications of pathogenicity. Review status: criteria provided, conflicting classifications (1 of 4 stars). 3 submissions from 3 submitters: Pathogenic (1); Uncertain significance (2). Last evaluated 2025-08-25.

Conditions:
Inborn genetic diseases. Identifiers: MedGen C0950123, MeSH D030342.
Hyperekplexia 3 (HKPX3). Also called: HYPEREKPLEXIA 3, AUTOSOMAL RECESSIVE; HYPEREKPLEXIA 3, AUTOSOMAL DOMINANT. Identifiers: Orphanet 3197, MedGen C3553288, MONDO:0013827, OMIM 614618.

Allele frequency attached by ClinVar (database versions not stated): ExAC 0.00001; gnomAD 0.00001; TOPMed 0.00002; ESP Exome Variant Server 0.00008.
gnomAD v4.1: 11 of 1,614,014 alleles (0.00068%); highest among the groups gnomAD compares: Non-Finnish European, 0.00093%; no homozygotes.

Submissions (3):

Labcorp Genetics (formerly Invitae), Labcorp
Classification: Pathogenic for Hyperekplexia 3. Last evaluated: 2025-08-25. Review status: criteria provided, single submitter. Criteria: Invitae Variant Classification Sherloc (09022015). Collection method: clinical testing. Allele origin: germline.
Comment: This sequence change replaces alanine, which is neutral and non-polar, with aspartic acid, which is acidic and polar, at codon 228 of the SLC6A5 protein (p.Ala228Asp). This variant is present in population databases (rs371265931, gnomAD 0.002%). This missense change has been observed in individual(s) with hyperekplexia (internal data). In at least one individual the data is consistent with being in trans (on the opposite chromosome) from a pathogenic variant. ClinVar contains an entry for this variant (Variation ID: 540364). Invitae Evidence Modeling of protein sequence and biophysical properties (such as structural, functional, and spatial information, amino acid conservation, physicochemical variation, residue mobility, and thermodynamic stability) indicates that this missense variant is expected to disrupt SLC6A5 protein function with a positive predictive value of 95%. For these reasons, this variant has been classified as Pathogenic.

Ambry Genetics
Classification: Uncertain significance for Inborn genetic diseases. Last evaluated: 2022-06-24. Review status: criteria provided, single submitter. Criteria: Ambry Variant Classification Scheme 2023. Collection method: clinical testing. Allele origin: germline.

Baylor Genetics
Classification: Uncertain significance for Hyperekplexia 3. Last evaluated: 2021-03-19. Review status: criteria provided, single submitter. Criteria: ACMG Guidelines, 2015. Collection method: clinical testing. Allele origin: unknown.

NM_004211.5(SLC6A5):c.683C>A (p.Ala228Asp)

Gene: SLC6A5 (solute carrier family 6 member 5; plus strand). Cytogenetic location: 11p15.1.
Variant type: single nucleotide variant.
Coding change: c.683C>A on transcript NM_004211.5 (MANE Select); coding-DNA position 683, C replaced by A.
Protein change: p.Ala228Asp; replaces alanine 228 with aspartic acid.
Molecular consequence: missense variant. On other transcripts: 5 prime UTR variant (1).
Genome position (GRCh38, 1-based): chr11:20,607,010, C>A. VCF-style: chr11-20607010-C-A. GRCh37 (hg19) VCF-style: chr11-20628556-C-A.
Other names: c.-20C>A (NM_001318369.2); short protein forms A228D.
Identifiers: ClinVar variation 540364 (VCV000540364.9), dbSNP rs371265931, ClinGen allele CA5921176.